The following is an entry in ClinVar:

NM_002016.2(FLG):c.5690del (p.His1897fs)

Genes: CCDST (cervical cancer associated DHX9 suppressive transcript; plus strand), FLG (filaggrin; minus strand). Cytogenetic location: 1q21.3.
Variant type: Deletion.
Coding change: c.5690del on transcript NM_002016.2 (MANE Select); coding-DNA position 5690, one base deleted (A; older notation c.5690delA).
Protein change: p.His1897fs; shifts the reading frame from histidine 1897.
Molecular consequence: frameshift variant.
Genome position (GRCh38, 1-based): chr1:152,309,196, T deleted on the plus strand (A on the coding strand, the reverse complement: FLG is on the minus strand). VCF-style (leftmost placement, unchanged base first): chr1-152309195-GT-G. GRCh37 (hg19) VCF-style: chr1-152281671-GT-G.
Other names: c.5690delA (NM_002016.1); short protein forms H1897fs.
Identifiers: ClinVar variation 504188 (VCV000504188.6), dbSNP rs1246063885, ClinGen allele CA526662226.

ClinVar aggregate classification (germline): Pathogenic (1 of 4 stars; one submission).

Allele frequency attached by ClinVar (database versions not stated): gnomAD exomes below 0.00001 and 0.00002; gnomAD 0.00001; TOPMed 0.00002.

Submission:

GeneDx
Classification: Pathogenic. Last evaluated: 2022-04-13. Review status: criteria provided, single submitter. Criteria: GeneDx Variant Classification Process June 2021. Collection method: clinical testing. Allele origin: germline. Affected: yes.
Comment: Identified in one nonatopic control subject (Cole et al., 2014); Frameshift variant in the C-terminus predicted to result in protein truncation, as the last 2165 amino acids are lost and replaced with 197 incorrect amino acids; This variant is associated with the following publications: (PMID: 24880632, 31589614)